The following is an entry in ClinVar:

NM_002340.6(LSS):c.530G>A (p.Arg177Gln)

Gene: LSS (lanosterol synthase; minus strand). Cytogenetic location: 21q22.3.
Variant type: single nucleotide variant.
Coding change: c.530G>A on transcript NM_002340.6 (MANE Select); coding-DNA position 530, G replaced by A.
Protein change: p.Arg177Gln; replaces arginine 177 with glutamine.
Molecular consequence: missense variant.
Genome position (GRCh38, 1-based): chr21:46,221,874, C>T on the plus strand (G>A on the coding strand, the complement: LSS is on the minus strand). VCF-style: chr21-46221874-C-T. GRCh37 (hg19) VCF-style: chr21-47641788-C-T.
Other names: c.530G>A, p.Arg177Gln (NM_001001438.3); c.497G>A, p.Arg166Gln (NM_001145436.2); c.290G>A, p.Arg97Gln (NM_001145437.2); c.530G>A (NM_001001438.2); short protein forms R166Q, R177Q, R97Q.
Identifiers: ClinVar variation 1526304 (VCV001526304.9), dbSNP rs142081800, ClinGen allele CA10075454.

ClinVar aggregate classification (germline): Pathogenic/Likely pathogenic. Review status: criteria provided, multiple submitters, no conflicts (2 of 4 stars). 4 submissions from 4 submitters: Pathogenic (1); Likely pathogenic (3). Last evaluated 2026-05-29.

Conditions:
LSS-related disorder. Also called: LSS-related condition.
Hypotrichosis 14. Identifiers: MedGen C4748930, MONDO:0032649, OMIM 618275.
Cataract 44 (CTRCT44). Also called: CATARACT 44 AND HYPOTRICHOSIS. Identifiers: Orphanet 91492, Orphanet 98994, MedGen C4225300, MONDO:0014673, OMIM 616509.
Alopecia-intellectual disability syndrome 4. Also called: ALOPECIA-MENTAL RETARDATION SYNDROME 4. Identifiers: MedGen C5394241, MONDO:0030009, OMIM 618840.

Allele frequency attached by ClinVar (database versions not stated): gnomAD 0.00016 and 0.00015; ExAC 0.00004; gnomAD exomes 0.00004 and 0.00013; ESP Exome Variant Server 0.00008; TOPMed 0.00013.

Submissions (4):

PreventionGenetics, part of Exact Sciences
Classification: Likely pathogenic for LSS-related condition. Last evaluated: 2026-05-29. Review status: criteria provided, single submitter. Criteria: ACMG Guidelines, 2015. Collection method: clinical testing. Allele origin: germline.
Comment: The LSS c.530G>A variant is predicted to result in the amino acid substitution p.Arg177Gln. This variant has been reported in individuals with congenital hypotrichosis (for examples, see: Wada et al. 2020. PubMed ID: 32101538; Cesarato et al. 2021. PubMed ID: 34318586). The variant results in decreased LSS expression (Wada et al. 2020. PubMed ID: 32101538). This variant is reported in 0.012% of alleles in individuals of European (Non-Finnish) descent in gnomAD. This variant is interpreted as likely pathogenic.

GeneDx
Classification: Likely pathogenic. Last evaluated: 2024-01-17. Review status: criteria provided, single submitter. Criteria: GeneDx Variant Classification Process June 2021. Collection method: clinical testing. Allele origin: germline. Affected: yes.
Comment: In silico analysis supports that this missense variant has a deleterious effect on protein structure/function; This variant is associated with the following publications: (PMID: 34318586, 33155697, 35413293, 36811447, 32101538)

Department of Pathology and Laboratory Medicine, Sinai Health System
Classification: Likely pathogenic for Cataract 44; Hypotrichosis 14; Alopecia-intellectual disability syndrome 4. Last evaluated: 2023-04-17. Review status: criteria provided, single submitter. Criteria: ACMG Guidelines, 2015. Collection method: research. Allele origin: germline.

Labcorp Genetics (formerly Invitae), Labcorp
Classification: Pathogenic. Last evaluated: 2022-09-26. Review status: criteria provided, single submitter. Criteria: Invitae Variant Classification Sherloc (09022015). Collection method: clinical testing. Allele origin: germline.
Comment: This missense change has been observed in individual(s) with clinical features of LSS-related conditions (PMID: 32101538). In at least one individual the data is consistent with being in trans (on the opposite chromosome) from a pathogenic variant. It has also been observed to segregate with disease in related individuals. For these reasons, this variant has been classified as Pathogenic. Studies have shown that this missense change alters LSS gene expression (PMID: 32101538). Algorithms developed to predict the effect of missense changes on protein structure and function are either unavailable or do not agree on the potential impact of this missense change (SIFT: "Deleterious"; PolyPhen-2: "Probably Damaging"; Align-GVGD: "Class C0"). ClinVar contains an entry for this variant (Variation ID: 1526304). This variant is present in population databases (rs142081800, gnomAD 0.01%). This sequence change replaces arginine, which is basic and polar, with glutamine, which is neutral and polar, at codon 177 of the LSS protein (p.Arg177Gln).

Literature cited by the submitters: PubMed 32101538 (cited by Labcorp Genetics (formerly Invitae), Labcorp).